The following is an entry in ClinVar:

NM_020779.4(WDR35):c.*2463C>T

Gene: WDR35 (WD repeat domain 35; minus strand). Cytogenetic location: 2p24.1.
Variant type: single nucleotide variant.
Coding change: c.*2463C>T on transcript NM_020779.4 (MANE Select); 2463 bases downstream of the stop codon, C replaced by T.
Molecular consequence: 3 prime UTR variant.
Genome position (GRCh38, 1-based): chr2:19,911,095, G>A on the plus strand (C>T on the coding strand, the complement: WDR35 is on the minus strand). VCF-style: chr2-19911095-G-A. GRCh37 (hg19) VCF-style: chr2-20110856-G-A.
Other names: c.*2463C>T (NM_001006657.2).
Identifiers: ClinVar variation 333335 (VCV000333335.6), dbSNP rs3731661, ClinGen allele CA10613424.
Genomic context (GRCh38, chr2:19,911,095, plus strand): 5'-ACTAGATATTGTTTAAATATCAACTAGATCCAGCAACTTAGGATCTACCTGGAATAATTC[G>A]TTGGTGGGAAAATTCTAGGGCTCAGGCAGCACAGAATTAGGGGGAAATGAGAAGCCTCCA-3'

ClinVar aggregate classification (germline): Benign. Review status: criteria provided, multiple submitters, no conflicts (2 of 4 stars). 3 submissions from 2 submitters: Benign (3). Last evaluated 2018-01-12.

Conditions:
Short-rib thoracic dysplasia 7 with or without polydactyly (SRTD7). Also called: SHORT-RIB THORACIC DYSPLASIA 7 WITH POLYDACTYLY; Short rib polydactyly syndrome 5. Identifiers: Orphanet 498497, Orphanet 93271, MedGen C3279792, MONDO:0013569, OMIM 614091.
Cranioectodermal dysplasia 2 (CED2). Identifiers: Orphanet 1515, MedGen C3150874, MONDO:0013323, OMIM 613610.

Allele frequency attached by ClinVar (database versions not stated): TOPMed 0.07913; gnomAD 0.07941 and 0.08357; 1000 Genomes Project 30x 0.10493; 1000 Genomes Project 0.10823; gnomAD exomes 0.50000.
gnomAD v4.1: 12,713 of 152,138 alleles (8.4%); highest among the groups gnomAD compares: East Asian, 23%; 745 homozygotes.

Submissions (3):

Illumina Laboratory Services, Illumina
Classification: Benign for Cranioectodermal dysplasia 2. Last evaluated: 2018-01-12. Review status: criteria provided, single submitter. Criteria: ICSL Variant Classification Criteria 13 December 2019. Collection method: clinical testing. Allele origin: germline.
Comment: This variant was observed in the ICSL laboratory as part of a predisposition screen in an ostensibly healthy population. It had not been previously curated by ICSL or reported in the Human Gene Mutation Database (HGMD: prior to June 1st, 2018), and was therefore a candidate for classification through an automated scoring system. Utilizing variant allele frequency, disease prevalence and penetrance estimates, and inheritance mode, an automated score was calculated to assess if this variant is too frequent to cause the disease. Based on the score and internal cut-off values, a variant classified as benign is not then subjected to further curation. The score for this variant resulted in a classification of benign for this disease.

Illumina Laboratory Services, Illumina
Classification: Benign for Short-rib thoracic dysplasia 7 with or without polydactyly. Last evaluated: 2018-01-12. Review status: criteria provided, single submitter. Criteria: ICSL Variant Classification Criteria 13 December 2019. Collection method: clinical testing. Allele origin: germline.
Comment: the same text as in the submission from Illumina Laboratory Services, Illumina above.

Breakthrough Genomics
Classification: Benign. Review status: criteria provided, single submitter. Criteria: ACMG Guidelines, 2015. Collection method: not provided. Allele origin: germline. Inheritance: Autosomal recessive inheritance. Affected: yes.